The following is an entry in ClinVar:

NM_001040142.2(SCN2A):c.4007C>A (p.Ser1336Tyr)

Gene: SCN2A (sodium voltage-gated channel alpha subunit 2; plus strand). Cytogenetic location: 2q24.3.
Variant type: single nucleotide variant.
Coding change: c.4007C>A on transcript NM_001040142.2 (MANE Select); coding-DNA position 4007, C replaced by A.
Protein change: p.Ser1336Tyr; replaces serine 1336 with tyrosine.
Molecular consequence: missense variant.
Genome position (GRCh38, 1-based): chr2:165,374,719, C>A. VCF-style: chr2-165374719-C-A. GRCh37 (hg19) VCF-style: chr2-166231229-C-A.
Other names: c.4007C>A, p.Ser1336Tyr (NM_001040143.2, NM_001371246.1, NM_001371247.1 and 1 more transcripts); short protein forms S1336Y.
Identifiers: ClinVar variation 1727248 (VCV001727248.2), dbSNP rs2468102153, ClinGen allele CA349030277.
Genomic context (GRCh38, chr2:165,374,719, plus strand): 5'-TATTTTTCCTTCTCATCCTGTGCCAGGTTGTTGTAAATGCTCTTTTAGGAGCCATTCCAT[C>A]TATCATGAATGTACTTCTGGTTTGTCTGATCTTTTGGCTAATATTCAGTATCATGGGAGT-3'
Protein context (NP_001035232.1, residues 1326-1346): VVNALLGAIP[Ser1336Tyr]IMNVLLVCLI

Conditions:
Complex neurodevelopmental disorder. Identifiers: Orphanet 528084, MedGen C5568766, MONDO:0100038.

Submission:

Channelopathy-Associated Epilepsy Research Center
No classification provided (evidence only). Condition: Complex neurodevelopmental disorder. Review status: no classification provided. Collection method: literature only. Allele origin: not applicable. Functional consequence: Moderate hyperpolarizing shift of voltage dependence of activation, Mild depolarizing shift of voltage dependence of fast inactivation, Normal slope of activation, Increase in slope of fast inactivation, Normal rate of recovery from fast inactivation, Normal fast inactivation, Overall mixed or unclear functional effect not able to be clearly categorized as Gain- or Loss-of-Function.
ClinVar note: "not provided" was previously submitted as the classification for the variant. However, the classification appeared to be based only on an observation of functional data so it was converted to no classification on 2025-07-30.

Literature cited by the submitters: PubMed 31995133.